The following is an entry in ClinVar:

NM_020442.6(VARS2):c.1563G>A (p.Trp521Ter)

Gene: VARS2 (valyl-tRNA synthetase 2, mitochondrial; plus strand). Cytogenetic location: 6p21.33.
Variant type: single nucleotide variant.
Coding change: c.1563G>A on transcript NM_020442.6 (MANE Select); coding-DNA position 1563, G replaced by A.
Protein change: p.Trp521Ter; replaces tryptophan 521 with a stop codon.
Molecular consequence: nonsense.
Genome position (GRCh38, 1-based): chr6:30,921,236, G>A. VCF-style: chr6-30921236-G-A. GRCh37 (hg19) VCF-style: chr6-30889013-G-A.
Other names: c.1143G>A, p.Trp381Ter (NM_001167733.3); c.1653G>A, p.Trp551Ter (NM_001167734.2); short protein forms W381*, W521*, W551*.
Identifiers: ClinVar variation 1940105 (VCV001940105.5), dbSNP rs1267164875, ClinGen allele CA363173556.

ClinVar aggregate classification (germline): Pathogenic (1 of 4 stars; one submission).

Allele frequency attached by ClinVar (database versions not stated): gnomAD exomes 0.00001; gnomAD 0.00002.
gnomAD v4.1: 8 of 1,613,978 alleles (0.0005%); highest among the groups gnomAD compares: Admixed American, 0.012%; no homozygotes.

Submission:

Labcorp Genetics (formerly Invitae), Labcorp
Classification: Pathogenic. Last evaluated: 2022-10-18. Review status: criteria provided, single submitter. Criteria: Invitae Variant Classification Sherloc (09022015). Collection method: clinical testing. Allele origin: germline.
Comment: This sequence change creates a premature translational stop signal (p.Trp551*) in the VARS2 gene. It is expected to result in an absent or disrupted protein product. Loss-of-function variants in VARS2 are known to be pathogenic (PMID: 29313548). This variant is present in population databases (no rsID available, gnomAD 0.009%). This variant has not been reported in the literature in individuals affected with VARS2-related conditions. For these reasons, this variant has been classified as Pathogenic.

Literature cited by the submitters: PubMed 29313548.